The following is an entry in ClinVar:

ClinVar aggregate classification (germline): Pathogenic (1 of 4 stars; one submission).

Conditions:
Rhabdoid tumor predisposition syndrome 2 (RTPS2). Identifiers: Orphanet 231108, Orphanet 69077, MedGen C2750074, MONDO:0013224, OMIM 613325.

Submission:

Labcorp Genetics (formerly Invitae), Labcorp
Classification: Pathogenic for Rhabdoid tumor predisposition syndrome 2. Last evaluated: 2023-08-08. Review status: criteria provided, single submitter. Criteria: Invitae Variant Classification Sherloc (09022015). Collection method: clinical testing. Allele origin: germline.
Comment: This sequence change creates a premature translational stop signal (p.Pro12Argfs*25) in the SMARCA4 gene. It is expected to result in an absent or disrupted protein product. Loss-of-function variants in SMARCA4 are known to be pathogenic (PMID: 24658001, 24658002). This variant is not present in population databases (gnomAD no frequency). This variant has not been reported in the literature in individuals affected with SMARCA4-related conditions. For these reasons, this variant has been classified as Pathogenic.

Literature cited by the submitters: PubMed 24658001; PubMed 24658002.

NM_003072.5(SMARCA4):c.33_51del (p.Pro12fs)

Gene: SMARCA4 (SWI/SNF related BAF chromatin remodeling complex subunit ATPase 4; plus strand). Cytogenetic location: 19p13.2.
Variant type: Deletion.
Coding change: c.33_51del on transcript NM_003072.5 (MANE Select); coding-DNA positions 33 to 51, 19 bases deleted (TCCTCGGCCAGGTCCTTCC).
Protein change: p.Pro12fs; shifts the reading frame from proline 12.
Molecular consequence: frameshift variant. On other transcripts: non-coding transcript variant (1).
Genome position (GRCh38, 1-based): chr19:10,984,184-10,984,202, TCCTCGGCCAGGTCCTTCC deleted; deleting any 19 consecutive bases within chr19:10,984,183-10,984,202 gives the same sequence; the c. name uses the placement nearest the transcript's 3' end. VCF-style (leftmost placement, unchanged base first): chr19-10984182-ACTCCTCGGCCAGGTCCTTC-A. GRCh37 (hg19) VCF-style: chr19-11094858-ACTCCTCGGCCAGGTCCTTC-A.
Other names: c.33_51del, p.Pro12fs (NM_001128844.3, NM_001128845.2, NM_001128846.2 and 6 more transcripts); short protein forms P12fs.
Identifiers: ClinVar variation 2843740 (VCV002843740.3), dbSNP rs2513932327, ClinGen allele CA2739276520.